The following is an entry in ClinVar:

ClinVar aggregate classification (germline): Likely benign (0 of 4 stars; one submission).

Conditions:
CAPN12-related disorder. Also called: CAPN12-related condition.

Allele frequency attached by ClinVar (database versions not stated): gnomAD 0.00001; gnomAD exomes 0.00003; ExAC 0.00013; 1000 Genomes Project 30x 0.00016; 1000 Genomes Project 0.00020.
gnomAD v4.1: 41 of 1,538,608 alleles (0.0027%); highest among the groups gnomAD compares: Admixed American, 0.048%; no homozygotes.

Submission:

PreventionGenetics, part of Exact Sciences
Classification: Likely benign for CAPN12-related condition. Last evaluated: 2019-08-01. Review status: no assertion criteria provided. Collection method: clinical testing. Allele origin: germline.
Comment: This variant is classified as likely benign based on ACMG/AMP sequence variant interpretation guidelines (Richards et al. 2015 PMID: 25741868, with internal and published modifications).

NM_144691.4(CAPN12):c.1242C>T (p.Gly414=)

Gene: CAPN12 (calpain 12; minus strand). Cytogenetic location: 19q13.2.
Variant type: single nucleotide variant.
Coding change: c.1242C>T on transcript NM_144691.4 (MANE Select); coding-DNA position 1242, C replaced by T.
Protein change: p.Gly414=; no amino-acid change (glycine 414 retained).
Molecular consequence: synonymous variant.
Genome position (GRCh38, 1-based): chr19:38,737,276, G>A on the plus strand (C>T on the coding strand, the complement: CAPN12 is on the minus strand). VCF-style: chr19-38737276-G-A. GRCh37 (hg19) VCF-style: chr19-39227916-G-A.
Identifiers: ClinVar variation 3035388 (VCV003035388.2), dbSNP rs538336543, ClinGen allele CA9418842.